The following is an entry in ClinVar:

ClinVar aggregate classification (germline): Uncertain significance (1 of 4 stars; one submission).

Allele frequency attached by ClinVar (database versions not stated): TOPMed below 0.00001; gnomAD 0.00001; gnomAD exomes 0.00001; ExAC 0.00003.
gnomAD v4.1: 4 of 1,611,258 alleles (0.00025%); highest among the groups gnomAD compares: Admixed American, 0.0067%; no homozygotes.

Submission:

Labcorp Genetics (formerly Invitae), Labcorp
Classification: Uncertain significance. Last evaluated: 2022-05-16. Review status: criteria provided, single submitter. Criteria: Invitae Variant Classification Sherloc (09022015). Collection method: clinical testing. Allele origin: germline.
Comment: This variant is present in population databases (rs771362645, gnomAD 0.003%). In summary, the available evidence is currently insufficient to determine the role of this variant in disease. Therefore, it has been classified as a Variant of Uncertain Significance. Algorithms developed to predict the effect of missense changes on protein structure and function output the following: SIFT: "Tolerated"; PolyPhen-2: "Benign"; Align-GVGD: "Class C0". The threonine amino acid residue is found in multiple mammalian species, which suggests that this missense change does not adversely affect protein function. This variant has not been reported in the literature in individuals affected with P3H2-related conditions. This sequence change replaces alanine, which is neutral and non-polar, with threonine, which is neutral and polar, at codon 272 of the P3H2 protein (p.Ala272Thr).

NM_018192.4(P3H2):c.814G>A (p.Ala272Thr)

Gene: P3H2 (prolyl 3-hydroxylase 2; minus strand). Cytogenetic location: 3q28.
Variant type: single nucleotide variant.
Coding change: c.814G>A on transcript NM_018192.4 (MANE Select); coding-DNA position 814, G replaced by A.
Protein change: p.Ala272Thr; replaces alanine 272 with threonine.
Molecular consequence: missense variant.
Genome position (GRCh38, 1-based): chr3:189,994,103, C>T on the plus strand (G>A on the coding strand, the complement: P3H2 is on the minus strand). VCF-style: chr3-189994103-C-T. GRCh37 (hg19) VCF-style: chr3-189711892-C-T.
Other names: c.271G>A, p.Ala91Thr (NM_001134418.2); short protein forms A91T, A272T.
Identifiers: ClinVar variation 1919018 (VCV001919018.5), dbSNP rs771362645, ClinGen allele CA2753219.